The following is an entry in ClinVar:

ClinVar aggregate classification (germline): Uncertain significance (1 of 4 stars; one submission).

Conditions:
Gastrointestinal stromal tumor. Also called: Gastrointestinal stromal tumor, somatic; Gastrointestinal stroma tumor. Identifiers: Orphanet 44890, MedGen C0238198, MeSH D046152, MONDO:0011719, OMIM 606764, HP:0100723.

Submission:

Labcorp Genetics (formerly Invitae), Labcorp
Classification: Uncertain significance for Gastrointestinal stromal tumor. Last evaluated: 2021-12-15. Review status: criteria provided, single submitter. Criteria: Invitae Variant Classification Sherloc (09022015). Collection method: clinical testing. Allele origin: germline.
Comment: In summary, the available evidence is currently insufficient to determine the role of this variant in disease. Therefore, it has been classified as a Variant of Uncertain Significance. Algorithms developed to predict the effect of missense changes on protein structure and function output the following: SIFT: "Tolerated"; PolyPhen-2: "Benign"; Align-GVGD: "Class C0". The proline amino acid residue is found in multiple mammalian species, which suggests that this missense change does not adversely affect protein function. This variant has not been reported in the literature in individuals affected with KIT-related conditions. This variant is not present in population databases (gnomAD no frequency). This sequence change replaces serine, which is neutral and polar, with proline, which is neutral and non-polar, at codon 712 of the KIT protein (p.Ser712Pro).

NM_000222.3(KIT):c.2134T>C (p.Ser712Pro)

Gene: KIT (KIT proto-oncogene, receptor tyrosine kinase; plus strand). Cytogenetic location: 4q12.
Variant type: single nucleotide variant.
Coding change: c.2134T>C on transcript NM_000222.3 (MANE Select); coding-DNA position 2134, T replaced by C.
Protein change: p.Ser712Pro; replaces serine 712 with proline.
Molecular consequence: missense variant.
Genome position (GRCh38, 1-based): chr4:54,729,478, T>C. VCF-style: chr4-54729478-T-C. GRCh37 (hg19) VCF-style: chr4-55595644-T-C.
Other names: c.2122T>C, p.Ser708Pro (NM_001093772.2, NM_001385286.1); c.2137T>C, p.Ser713Pro (NM_001385284.1, NM_001385290.1); c.2134T>C, p.Ser712Pro (NM_001385285.1); c.2125T>C, p.Ser709Pro (NM_001385288.1, NM_001385292.1); short protein forms S713P, S708P, S709P, S712P.
Identifiers: ClinVar variation 1507827 (VCV001507827.6), dbSNP rs2109787139, ClinGen allele CA356909894.